The following is an entry in ClinVar:

NM_183050.4(BCKDHB):c.196G>C (p.Gly66Arg)

Gene: BCKDHB (branched chain keto acid dehydrogenase E1 subunit beta; plus strand). Cytogenetic location: 6q14.1.
Variant type: single nucleotide variant.
Coding change: c.196G>C on transcript NM_183050.4 (MANE Select); coding-DNA position 196, G replaced by C.
Protein change: p.Gly66Arg; replaces glycine 66 with arginine.
Molecular consequence: missense variant. On other transcripts: non-coding transcript variant (1), intron variant (1).
Genome position (GRCh38, 1-based): chr6:80,106,889, G>C. VCF-style: chr6-80106889-G-C. GRCh37 (hg19) VCF-style: chr6-80816606-G-C.
Other names: c.196G>C, p.Gly66Arg (NM_000056.5); c.-15+206G>C (NM_001318975.1); short protein forms G66R.
Identifiers: ClinVar variation 1454198 (VCV001454198.8), dbSNP rs1328608014, ClinGen allele CA364658458.

ClinVar aggregate classification (germline): Pathogenic (1 of 4 stars; one submission).

Conditions:
Maple syrup urine disease (MSUD). Identifiers: Orphanet 511, MedGen C0024776, MeSH D008375, MONDO:0009563. Disease mechanism: loss of function.

Allele frequency attached by ClinVar (database versions not stated): TOPMed below 0.00001.
gnomAD v4.1: 8 of 1,602,610 alleles (0.0005%); highest among the groups gnomAD compares: Non-Finnish European, 0.0006%; no homozygotes.

Submission:

Labcorp Genetics (formerly Invitae), Labcorp
Classification: Pathogenic for Maple syrup urine disease. Last evaluated: 2021-04-03. Review status: criteria provided, single submitter. Criteria: Invitae Variant Classification Sherloc (09022015). Collection method: clinical testing. Allele origin: germline.
Comment: For these reasons, this variant has been classified as Pathogenic. This sequence change replaces glycine with arginine at codon 66 of the BCKDHB protein (p.Gly66Arg). The glycine residue is moderately conserved and there is a moderate physicochemical difference between glycine and arginine. This variant also falls at the last nucleotide of exon 1, which is part of the consensus splice site for this exon. This variant has been observed in individual(s) with maple syrup urine disease (PMID: 28417071). This variant is also known as c.197G>C. Algorithms developed to predict the effect of missense changes on protein structure and function (SIFT, PolyPhen-2, Align-GVGD) all suggest that this variant is likely to be tolerated, but these predictions have not been confirmed by published functional studies and their clinical significance is uncertain. Nucleotide substitutions within the consensus splice site are a relatively common cause of aberrant splicing (PMID: 17576681, 9536098). Algorithms developed to predict the effect of sequence changes on RNA splicing suggest that this variant may disrupt the consensus splice site, but this prediction has not been confirmed by published transcriptional studies. This variant disrupts the c.196 nucleotide in the BCKDHB gene. Other variant(s) that disrupt this nucleotide have been determined to be pathogenic (PMID: 30228974, Invitae). This suggests that this nucleotide is clinically significant, and that variants that disrupt this position are likely to be disease-causing. This variant is not present in population databases (ExAC no frequency).

Literature cited by the submitters: PubMed 28417071; PubMed 17576681; PubMed 9536098; PubMed 30228974.